The following is an entry in ClinVar:

ClinVar aggregate classification (germline): Uncertain significance (1 of 4 stars; one submission).

Allele frequency attached by ClinVar (database versions not stated): TOPMed below 0.00001; gnomAD 0.00001.

Submission:

Labcorp Genetics (formerly Invitae), Labcorp
Classification: Uncertain significance. Last evaluated: 2022-05-05. Review status: criteria provided, single submitter. Criteria: Invitae Variant Classification Sherloc (09022015). Collection method: clinical testing. Allele origin: germline.
Comment: This sequence change replaces methionine, which is neutral and non-polar, with valine, which is neutral and non-polar, at codon 1244 of the CACNA1D protein (p.Met1244Val). In summary, the available evidence is currently insufficient to determine the role of this variant in disease. Therefore, it has been classified as a Variant of Uncertain Significance. Algorithms developed to predict the effect of missense changes on protein structure and function (SIFT, PolyPhen-2, Align-GVGD) all suggest that this variant is likely to be tolerated. This variant has not been reported in the literature in individuals affected with CACNA1D-related conditions. This variant is present in population databases (no rsID available, gnomAD 0.003%).

NM_001128840.3(CACNA1D):c.3670A>G (p.Met1224Val)

Gene: CACNA1D (calcium voltage-gated channel subunit alpha1 D; plus strand). Cytogenetic location: 3p21.1.
Variant type: single nucleotide variant.
Coding change: c.3670A>G on transcript NM_001128840.3 (MANE Select); coding-DNA position 3670, A replaced by G.
Protein change: p.Met1224Val; replaces methionine 1224 with valine.
Molecular consequence: missense variant.
Genome position (GRCh38, 1-based): chr3:53,751,902, A>G. VCF-style: chr3-53751902-A-G. GRCh37 (hg19) VCF-style: chr3-53785929-A-G.
Other names: c.3730A>G, p.Met1244Val (NM_000720.4); c.3670A>G, p.Met1224Val (NM_001128839.3); short protein forms M1224V, M1244V.
Identifiers: ClinVar variation 2089421 (VCV002089421.4), dbSNP rs896838045, ClinGen allele CA74874490.
Genomic context (GRCh38, chr3:53,751,902, plus strand): 5'-TCTTCGCCTTTCGAATACATGATGTTTGTCCTCATCATGCTCAACACACTCTGCTTGGCC[A>G]TGCAGGTAAAAATGGAGACAGCCGTGGGGATCAGGTCCGGGCATTCCGCACAGCCCCGTG-3'
Protein context (NP_001122312.1, residues 1214-1234): LIMLNTLCLA[Met1224Val]QHYEQSKMFN